The following is an entry in ClinVar:

ClinVar aggregate classification (germline): Pathogenic (1 of 4 stars; one submission).

Conditions:
Pontocerebellar hypoplasia type 1A (PCH1A). Also called: PONTOCEREBELLAR HYPOPLASIA WITH ANTERIOR HORN CELL DISEASE; PONTOCEREBELLAR HYPOPLASIA WITH INFANTILE SPINAL MUSCULAR ATROPHY. Identifiers: Orphanet 2254, Orphanet 88616, MedGen C1843504, MONDO:0011866, OMIM 607596.

Submission:

Labcorp Genetics (formerly Invitae), Labcorp
Classification: Pathogenic for Pontocerebellar hypoplasia type 1A. Last evaluated: 2019-12-23. Review status: criteria provided, single submitter. Criteria: Invitae Variant Classification Sherloc (09022015). Collection method: clinical testing. Allele origin: germline.
Comment: For these reasons, this variant has been classified as Pathogenic. Loss-of-function variants in VRK1 are known to be pathogenic (PMID: 19646678). This variant has not been reported in the literature in individuals with VRK1-related conditions. This variant is not present in population databases (ExAC no frequency). This sequence change creates a premature translational stop signal (p.Tyr52*) in the VRK1 gene. It is expected to result in an absent or disrupted protein product.

Literature cited by the submitters: PubMed 19646678.

NM_003384.3(VRK1):c.156T>A (p.Tyr52Ter)

Gene: VRK1 (VRK serine/threonine kinase 1; plus strand). Cytogenetic location: 14q32.2.
Variant type: single nucleotide variant.
Coding change: c.156T>A on transcript NM_003384.3 (MANE Select); coding-DNA position 156, T replaced by A.
Protein change: p.Tyr52Ter; replaces tyrosine 52 with a stop codon.
Molecular consequence: nonsense.
Genome position (GRCh38, 1-based): chr14:96,833,627, T>A. VCF-style: chr14-96833627-T-A. GRCh37 (hg19) VCF-style: chr14-97299964-T-A.
Other names: short protein forms Y52*.
Identifiers: ClinVar variation 861842 (VCV000861842.47), dbSNP rs1887100431, ClinGen allele CA390931232.